The following is an entry in ClinVar:

NM_004304.5(ALK):c.1794G>C (p.Leu598Phe)

Gene: ALK (ALK receptor tyrosine kinase; minus strand). Cytogenetic location: 2p23.2.
Variant type: single nucleotide variant.
Coding change: c.1794G>C on transcript NM_004304.5 (MANE Select); coding-DNA position 1794, G replaced by C.
Protein change: p.Leu598Phe; replaces leucine 598 with phenylalanine.
Molecular consequence: missense variant.
Genome position (GRCh38, 1-based): chr2:29,296,911, C>G on the plus strand (G>C on the coding strand, the complement: ALK is on the minus strand). VCF-style: chr2-29296911-C-G. GRCh37 (hg19) VCF-style: chr2-29519777-C-G.
Other names: c.1794G>C (NM_004304.4); short protein forms L598F.
Identifiers: ClinVar variation 2964021 (VCV002964021.4), dbSNP rs942266375, ClinGen allele CA346465893.

ClinVar aggregate classification (germline): Uncertain significance. Review status: criteria provided, multiple submitters, no conflicts (2 of 4 stars). 2 submissions from 2 submitters: Uncertain significance (2). Last evaluated 2023-12-15.

Conditions:
Hereditary cancer-predisposing syndrome. Also called: Tumor predisposition; Hereditary neoplastic syndrome; Neoplastic Syndromes, Hereditary; Hereditary Cancer Syndrome. Identifiers: Orphanet 140162, MedGen C0027672, MeSH D009386, MONDO:0015356.
Neuroblastoma, susceptibility to, 3. Also called: ALK-Related Neuroblastic Tumor Susceptibility. Identifiers: Orphanet 635, MedGen C2751681, MONDO:0013083, OMIM 613014.

Submissions (2):

Ambry Genetics
Classification: Uncertain significance for Hereditary cancer-predisposing syndrome. Last evaluated: 2023-12-15. Review status: criteria provided, single submitter. Criteria: Ambry Variant Classification Scheme 2023. Collection method: clinical testing. Allele origin: germline.
Comment: The p.L598F variant (also known as c.1794G>C), located in coding exon 9 of the ALK gene, results from a G to C substitution at nucleotide position 1794. The leucine at codon 598 is replaced by phenylalanine, an amino acid with highly similar properties. This amino acid position is conserved. In addition, this alteration is predicted to be tolerated by in silico analysis. Since supporting evidence is limited at this time, the clinical significance of this alteration remains unclear.

Labcorp Genetics (formerly Invitae), Labcorp
Classification: Uncertain significance for Neuroblastoma, susceptibility to, 3. Last evaluated: 2023-12-01. Review status: criteria provided, single submitter. Criteria: Invitae Variant Classification Sherloc (09022015). Collection method: clinical testing. Allele origin: germline.
Comment: This sequence change replaces leucine, which is neutral and non-polar, with phenylalanine, which is neutral and non-polar, at codon 598 of the ALK protein (p.Leu598Phe). This variant is not present in population databases (gnomAD no frequency). This variant has not been reported in the literature in individuals affected with ALK-related conditions. An algorithm developed to predict the effect of missense changes on protein structure and function (PolyPhen-2) suggests that this variant is likely to be disruptive. In summary, the available evidence is currently insufficient to determine the role of this variant in disease. Therefore, it has been classified as a Variant of Uncertain Significance.